The following is an entry in ClinVar:

ClinVar aggregate classification (germline): Uncertain significance (1 of 4 stars; one submission).

Submission:

GeneDx
Classification: Uncertain significance. Last evaluated: 2024-09-04. Review status: criteria provided, single submitter. Criteria: GeneDx Variant Classification Process June 2021. Collection method: clinical testing. Allele origin: germline. Affected: yes.
Comment: Not observed at significant frequency in large population cohorts (gnomAD); In silico analysis indicates that this missense variant does not alter protein structure/function; Has not been previously published as pathogenic or benign to our knowledge; In silico analysis is inconclusive as to whether the variant alters gene splicing. In the absence of RNA/functional studies, the actual effect of this sequence change is unknown.

NM_176787.5(PIGN):c.2113G>T (p.Val705Phe)

Gene: PIGN (phosphatidylinositol glycan anchor biosynthesis class N; minus strand). Cytogenetic location: 18q21.33.
Variant type: single nucleotide variant.
Coding change: c.2113G>T on transcript NM_176787.5 (MANE Select); coding-DNA position 2113, G replaced by T.
Protein change: p.Val705Phe; replaces valine 705 with phenylalanine.
Molecular consequence: missense variant.
Genome position (GRCh38, 1-based): chr18:62,095,915, C>A on the plus strand (G>T on the coding strand, the complement: PIGN is on the minus strand). VCF-style: chr18-62095915-C-A. GRCh37 (hg19) VCF-style: chr18-59763148-C-A.
Other names: c.2113G>T, p.Val705Phe (NM_012327.6); short protein forms V705F.
Identifiers: ClinVar variation 3767744 (VCV003767744.1).